The following is an entry in ClinVar:

NM_001378452.1(ITPR1):c.3513G>T (p.Lys1171Asn)

Gene: ITPR1 (inositol 1,4,5-trisphosphate receptor type 1; plus strand). Cytogenetic location: 3p26.1.
Variant type: single nucleotide variant.
Coding change: c.3513G>T on transcript NM_001378452.1 (MANE Select); coding-DNA position 3513, G replaced by T.
Protein change: p.Lys1171Asn; replaces lysine 1171 with asparagine.
Molecular consequence: missense variant.
Genome position (GRCh38, 1-based): chr3:4,684,295, G>T. VCF-style: chr3-4684295-G-T. GRCh37 (hg19) VCF-style: chr3-4725979-G-T.
Other names: c.3486G>T, p.Lys1162Asn (NM_001099952.4); c.3468G>T, p.Lys1156Asn (NM_001168272.2); c.3441G>T, p.Lys1147Asn (NM_002222.7); short protein forms K1147N, K1162N, K1156N, K1171N.
Identifiers: ClinVar variation 2699185 (VCV002699185.3), dbSNP rs2469797461, ClinGen allele CA351651307.

ClinVar aggregate classification (germline): Uncertain significance (1 of 4 stars; one submission).

Submission:

Labcorp Genetics (formerly Invitae), Labcorp
Classification: Uncertain significance. Last evaluated: 2024-10-24. Review status: criteria provided, single submitter. Criteria: Invitae Variant Classification Sherloc (09022015). Collection method: clinical testing. Allele origin: germline.
Comment: This sequence change replaces lysine, which is basic and polar, with asparagine, which is neutral and polar, at codon 1147 of the ITPR1 protein (p.Lys1147Asn). This variant is not present in population databases (gnomAD no frequency). This variant has not been reported in the literature in individuals affected with ITPR1-related conditions. Invitae Evidence Modeling of protein sequence and biophysical properties (such as structural, functional, and spatial information, amino acid conservation, physicochemical variation, residue mobility, and thermodynamic stability) indicates that this missense variant is not expected to disrupt ITPR1 protein function with a negative predictive value of 95%. In summary, the available evidence is currently insufficient to determine the role of this variant in disease. Therefore, it has been classified as a Variant of Uncertain Significance.